The following is an entry in ClinVar:

ClinVar aggregate classification (germline): Uncertain significance (1 of 4 stars; one submission).

Conditions:
Hereditary cancer-predisposing syndrome. Also called: Tumor predisposition; Neoplastic Syndromes, Hereditary; Hereditary neoplastic syndrome; Hereditary Cancer Syndrome. Identifiers: Orphanet 140162, MedGen C0027672, MeSH D009386, MONDO:0015356.

Submission:

Ambry Genetics
Classification: Uncertain significance for Hereditary cancer-predisposing syndrome. Last evaluated: 2024-10-12. Review status: criteria provided, single submitter. Criteria: Ambry Variant Classification Scheme 2023. Collection method: clinical testing. Allele origin: germline.
Comment: The p.L20W variant (also known as c.59T>G), located in coding exon 2 of the SDHD gene, results from a T to G substitution at nucleotide position 59. The leucine at codon 20 is replaced by tryptophan, an amino acid with similar properties. This amino acid position is conserved. In addition, the in silico prediction for this alteration is inconclusive. Based on the available evidence, the clinical significance of this variant remains unclear.

NM_003002.4(SDHD):c.59T>G (p.Leu20Trp)

Gene: SDHD (succinate dehydrogenase complex subunit D; plus strand). Cytogenetic location: 11q23.1.
Variant type: single nucleotide variant.
Coding change: c.59T>G on transcript NM_003002.4 (MANE Select); coding-DNA position 59, T replaced by G.
Protein change: p.Leu20Trp; replaces leucine 20 with tryptophan.
Molecular consequence: missense variant. On other transcripts: non-coding transcript variant (1), intron variant (1).
Genome position (GRCh38, 1-based): chr11:112,087,863, T>G. VCF-style: chr11-112087863-T-G. GRCh37 (hg19) VCF-style: chr11-111958587-T-G.
Other names: c.59T>G, p.Leu20Trp (NM_001276503.2, NM_001276506.2); c.52+904T>G (NM_001276504.2); short protein forms L20W.
Identifiers: ClinVar variation 3438793 (VCV003438793.1).